The following is an entry in ClinVar:

NM_001123385.2(BCOR):c.4953C>A (p.Asn1651Lys)

Gene: BCOR (BCL6 corepressor; minus strand). Cytogenetic location: Xp11.4.
Variant type: single nucleotide variant.
Coding change: c.4953C>A on transcript NM_001123385.2 (MANE Select); coding-DNA position 4953, C replaced by A.
Protein change: p.Asn1651Lys; replaces asparagine 1651 with lysine.
Molecular consequence: missense variant.
Genome position (GRCh38, 1-based): chrX:40,053,909, G>T on the plus strand (C>A on the coding strand, the complement: BCOR is on the minus strand). VCF-style: chrX-40053909-G-T. GRCh37 (hg19) VCF-style: chrX-39913162-G-T.
Other names: c.4851C>A, p.Asn1617Lys (NM_001123383.2, NM_001438208.1, NM_017745.6); c.4797C>A, p.Asn1599Lys (NM_001123384.2); c.4953C>A, p.Asn1651Lys (NM_001437510.1, NM_001437511.1); c.4899C>A, p.Asn1633Lys (NM_001438207.1); short protein forms N1599K, N1617K, N1633K, N1651K.
Identifiers: ClinVar variation 4875025 (VCV004875025.2).

ClinVar aggregate classification (germline): Uncertain significance (1 of 4 stars; one submission).

Submission:

CeGaT Center for Human Genetics Tuebingen
Classification: Uncertain significance. Last evaluated: 2026-05-01. Review status: criteria provided, single submitter. Criteria: CeGaT Center For Human Genetics Tuebingen Variant Classification Criteria Version 2. Collection method: clinical testing. Allele origin: germline. Affected: yes. Observed: 1 variant allele.
Comment: BCOR: PM2